The following is an entry in ClinVar:

ClinVar aggregate classification (germline): Uncertain significance (1 of 4 stars; one submission).

Conditions:
Hereditary nonpolyposis colorectal neoplasms. Identifiers: MedGen C0009405, MeSH D003123.

gnomAD v4.1: 1 of 1,614,214 alleles (0.000062%); highest among the groups gnomAD compares: Non-Finnish European, 0.000085%; no homozygotes.

Submission:

Labcorp Genetics (formerly Invitae), Labcorp
Classification: Uncertain significance for Hereditary nonpolyposis colorectal neoplasms. Last evaluated: 2024-03-21. Review status: criteria provided, single submitter. Criteria: Invitae Variant Classification Sherloc (09022015). Collection method: clinical testing. Allele origin: germline.
Comment: This sequence change replaces tyrosine, which is neutral and polar, with serine, which is neutral and polar, at codon 730 of the MSH6 protein (p.Tyr730Ser). This variant is not present in population databases (gnomAD no frequency). This variant has not been reported in the literature in individuals affected with MSH6-related conditions. Advanced modeling of protein sequence and biophysical properties (such as structural, functional, and spatial information, amino acid conservation, physicochemical variation, residue mobility, and thermodynamic stability) performed at Invitae indicates that this missense variant is not expected to disrupt MSH6 protein function with a negative predictive value of 95%. In summary, the available evidence is currently insufficient to determine the role of this variant in disease. Therefore, it has been classified as a Variant of Uncertain Significance.

NM_000179.3(MSH6):c.2189A>C (p.Tyr730Ser)

Gene: MSH6 (mutS homolog 6; plus strand). Cytogenetic location: 2p16.3.
Variant type: single nucleotide variant.
Coding change: c.2189A>C on transcript NM_000179.3 (MANE Select); coding-DNA position 2189, A replaced by C.
Protein change: p.Tyr730Ser; replaces tyrosine 730 with serine.
Molecular consequence: missense variant. On other transcripts: non-coding transcript variant (5), intron variant (2).
Genome position (GRCh38, 1-based): chr2:47,800,172, A>C. VCF-style: chr2-47800172-A-C. GRCh37 (hg19) VCF-style: chr2-48027311-A-C.
Other names: c.2189A>C, p.Tyr730Ser (NM_001406809.1, NM_001406808.1, NM_001406796.1 and 3 more transcripts); c.2195A>C, p.Tyr732Ser (NM_001406813.1); c.1283A>C, p.Tyr428Ser (NM_001406811.1, NM_001406814.1, NM_001406815.1 and 6 more transcripts); c.1892A>C, p.Tyr631Ser (NM_001406818.1, NM_001406797.1, NM_001406801.1 and 10 more transcripts); c.1799A>C, p.Tyr600Ser (NM_001281492.2); c.2285A>C, p.Tyr762Ser (NM_001406795.1, NM_001406802.1); c.1664A>C, p.Tyr555Ser (NM_001406799.1, NM_001406806.1, NM_001406807.1); c.2111A>C, p.Tyr704Ser (NM_001406804.1); and 3 more; short protein forms Y704S, Y730S, Y732S, Y428S, Y631S, Y674S, Y555S, Y600S.
Identifiers: ClinVar variation 3633945 (VCV003633945.2).